The following is an entry in ClinVar:

NM_005632.3(CAPN15):c.3120C>T (p.Asn1040=)

Gene: CAPN15 (calpain 15; plus strand). Cytogenetic location: 16p13.3.
Variant type: single nucleotide variant.
Coding change: c.3120C>T on transcript NM_005632.3 (MANE Select); coding-DNA position 3120, C replaced by T.
Protein change: p.Asn1040=; no amino-acid change (asparagine 1040 retained).
Molecular consequence: synonymous variant.
Genome position (GRCh38, 1-based): chr16:553,375, C>T. VCF-style: chr16-553375-C-T. GRCh37 (hg19) VCF-style: chr16-603375-C-T.
Identifiers: ClinVar variation 2645823 (VCV002645823.24), dbSNP rs139221270, ClinGen allele CA7779094.

ClinVar aggregate classification (germline): Likely benign (1 of 4 stars; one submission).

Allele frequency attached by ClinVar (database versions not stated): gnomAD exomes 0.00003; ExAC 0.00004; gnomAD 0.00004; TOPMed 0.00006; ESP Exome Variant Server 0.00015.
gnomAD v4.1: 51 of 1,607,772 alleles (0.0032%); highest among the groups gnomAD compares: East Asian, 0.027%; no homozygotes.

Submission:

CeGaT Center for Human Genetics Tuebingen
Classification: Likely benign. Last evaluated: 2022-05-01. Review status: criteria provided, single submitter. Criteria: CeGaT Center For Human Genetics Tuebingen Variant Classification Criteria Version 2. Collection method: clinical testing. Allele origin: germline. Affected: yes. Observed: 1 variant allele.
Comment: CAPN15: BP4, BP7